The following is an entry in ClinVar:

ClinVar aggregate classification (germline): Likely benign (0 of 4 stars; one submission).

Conditions:
TBX18-related disorder. Also called: TBX18-related condition.

gnomAD v4.1: 4 of 1,505,664 alleles (0.00027%); highest among the groups gnomAD compares: Non-Finnish European, 0.00026%; no homozygotes.

Submission:

PreventionGenetics, part of Exact Sciences
Classification: Likely benign for TBX18-related condition. Last evaluated: 2024-07-03. Review status: no assertion criteria provided. Collection method: clinical testing. Allele origin: germline.
Comment: This variant is classified as likely benign based on ACMG/AMP sequence variant interpretation guidelines (Richards et al. 2015 PMID: 25741868, with internal and published modifications).

NM_001080508.3(TBX18):c.288C>A (p.Ala96=)

Gene: TBX18 (T-box transcription factor 18; minus strand). Cytogenetic location: 6q14.3.
Variant type: single nucleotide variant.
Coding change: c.288C>A on transcript NM_001080508.3 (MANE Select); coding-DNA position 288, C replaced by A.
Protein change: p.Ala96=; no amino-acid change (alanine 96 retained).
Molecular consequence: synonymous variant.
Genome position (GRCh38, 1-based): chr6:84,763,894, G>T on the plus strand (C>A on the coding strand, the complement: TBX18 is on the minus strand). VCF-style: chr6-84763894-G-T. GRCh37 (hg19) VCF-style: chr6-85473612-G-T.
Identifiers: ClinVar variation 3347085 (VCV003347085.1).